The following is an entry in ClinVar:

NM_001130438.3(SPTAN1):c.196A>G (p.Ile66Val)

Gene: SPTAN1 (spectrin alpha, non-erythrocytic 1; plus strand). Cytogenetic location: 9q34.11.
Variant type: single nucleotide variant.
Coding change: c.196A>G on transcript NM_001130438.3 (MANE Select); coding-DNA position 196, A replaced by G.
Protein change: p.Ile66Val; replaces isoleucine 66 with valine.
Molecular consequence: missense variant.
Genome position (GRCh38, 1-based): chr9:128,566,936, A>G. VCF-style: chr9-128566936-A-G. GRCh37 (hg19) VCF-style: chr9-131329215-A-G.
Other names: c.196A>G, p.Ile66Val (NM_001195532.2, NM_001363759.2, NM_001363765.2 and 5 more transcripts); c.232A>G, p.Ile78Val (NM_001375312.2, NM_001375318.1); short protein forms I66V, I78V.
Identifiers: ClinVar variation 3626381 (VCV003626381.2).

ClinVar aggregate classification (germline): Uncertain significance (1 of 4 stars; one submission).

Conditions:
Early-infantile DEE. Also called: Early infantile epileptic encephalopathy with suppression bursts; Early infantile epileptic encephalopathy; Ohtahara syndrome. Identifiers: Orphanet 1934, MedGen C0393706, MONDO:0800491.

Submission:

Labcorp Genetics (formerly Invitae), Labcorp
Classification: Uncertain significance for Early-infantile DEE. Last evaluated: 2024-02-15. Review status: criteria provided, single submitter. Criteria: Invitae Variant Classification Sherloc (09022015). Collection method: clinical testing. Allele origin: germline.
Comment: This sequence change replaces isoleucine, which is neutral and non-polar, with valine, which is neutral and non-polar, at codon 66 of the SPTAN1 protein (p.Ile66Val). This variant is not present in population databases (gnomAD no frequency). This variant has not been reported in the literature in individuals affected with SPTAN1-related conditions. Algorithms developed to predict the effect of missense changes on protein structure and function output the following: SIFT: "Not Available"; PolyPhen-2: "Benign"; Align-GVGD: "Not Available". The valine amino acid residue is found in multiple mammalian species, which suggests that this missense change does not adversely affect protein function. In summary, the available evidence is currently insufficient to determine the role of this variant in disease. Therefore, it has been classified as a Variant of Uncertain Significance.